The following is an entry in ClinVar:

ClinVar aggregate classification (germline): Uncertain significance (1 of 4 stars; one submission).

Submission:

Labcorp Genetics (formerly Invitae), Labcorp
Classification: Uncertain significance. Last evaluated: 2026-01-20. Review status: criteria provided, single submitter. Criteria: Invitae Variant Classification Sherloc (09022015). Collection method: clinical testing. Allele origin: germline.
Comment: This sequence change replaces leucine, which is neutral and non-polar, with glutamine, which is neutral and polar, at codon 139 of the KL protein (p.Leu139Gln). This variant is not present in population databases (gnomAD no frequency). This variant has not been reported in the literature in individuals affected with KL-related conditions. Invitae Evidence Modeling of protein sequence and biophysical properties (such as structural, functional, and spatial information, amino acid conservation, physicochemical variation, residue mobility, and thermodynamic stability) has been performed for this missense variant. However, the output from this modeling did not meet the statistical confidence thresholds required to predict the impact of this variant on KL protein function. In summary, the available evidence is currently insufficient to determine the role of this variant in disease. Therefore, it has been classified as a Variant of Uncertain Significance.

NM_004795.4(KL):c.416T>A (p.Leu139Gln)

Gene: KL (klotho; plus strand). Cytogenetic location: 13q13.1.
Variant type: single nucleotide variant.
Coding change: c.416T>A on transcript NM_004795.4 (MANE Select); coding-DNA position 416, T replaced by A.
Protein change: p.Leu139Gln; replaces leucine 139 with glutamine.
Molecular consequence: missense variant.
Genome position (GRCh38, 1-based): chr13:33,016,856, T>A. VCF-style: chr13-33016856-T-A. GRCh37 (hg19) VCF-style: chr13-33590994-T-A.
Other names: short protein forms L139Q.
Identifiers: ClinVar variation 4744036 (VCV004744036.1).